The following is an entry in ClinVar:

NM_001171.6(ABCC6):c.3112C>T (p.Arg1038Trp)

Gene: ABCC6 (ATP binding cassette subfamily C member 6; minus strand). Cytogenetic location: 16p13.11.
Variant type: single nucleotide variant.
Coding change: c.3112C>T on transcript NM_001171.6 (MANE Select); coding-DNA position 3112, C replaced by T.
Protein change: p.Arg1038Trp; replaces arginine 1038 with tryptophan.
Molecular consequence: missense variant. On other transcripts: non-coding transcript variant (4).
Genome position (GRCh38, 1-based): chr16:16,165,817, G>A on the plus strand (C>T on the coding strand, the complement: ABCC6 is on the minus strand). VCF-style: chr16-16165817-G-A. GRCh37 (hg19) VCF-style: chr16-16259674-G-A.
Other names: c.2770C>T, p.Arg924Trp (NM_001351800.1); c.3079C>T, p.Arg1027Trp (NM_001440309.1); c.2944C>T, p.Arg982Trp (NM_001440310.1); short protein forms R1027W, R982W, R1038W, R924W.
Identifiers: ClinVar variation 4129875 (VCV004129875.3).

ClinVar aggregate classification (germline): Uncertain significance. Review status: criteria provided, multiple submitters, no conflicts (2 of 4 stars). 3 submissions from 3 submitters: Uncertain significance (3). Last evaluated 2025-08-09.

Conditions:
Inborn genetic diseases. Identifiers: MedGen C0950123, MeSH D030342.

gnomAD v4.1: 27 of 1,613,442 alleles (0.0017%); highest among the groups gnomAD compares: South Asian, 0.014%; no homozygotes.

Submissions (3):

Ambry Genetics
Classification: Uncertain significance for Inborn genetic diseases. Last evaluated: 2025-08-09. Review status: criteria provided, single submitter. Criteria: Ambry Variant Classification Scheme 2023. Collection method: clinical testing. Allele origin: germline.

Labcorp Genetics (formerly Invitae), Labcorp
Classification: Uncertain significance. Last evaluated: 2025-07-09. Review status: criteria provided, single submitter. Criteria: Invitae Variant Classification Sherloc (09022015). Collection method: clinical testing. Allele origin: germline.
Comment: This sequence change replaces arginine, which is basic and polar, with tryptophan, which is neutral and slightly polar, at codon 1038 of the ABCC6 protein (p.Arg1038Trp). This variant is not present in population databases (gnomAD no frequency). This variant has not been reported in the literature in individuals affected with ABCC6-related conditions. Invitae Evidence Modeling of protein sequence and biophysical properties (such as structural, functional, and spatial information, amino acid conservation, physicochemical variation, residue mobility, and thermodynamic stability) indicates that this missense variant is expected to disrupt ABCC6 protein function with a positive predictive value of 95%. In summary, the available evidence is currently insufficient to determine the role of this variant in disease. Therefore, it has been classified as a Variant of Uncertain Significance.

Blueprint Genetics
Classification: Uncertain significance. Last evaluated: 2021-07-01. Review status: criteria provided, single submitter. Criteria: ACMG Guidelines, 2015. Collection method: clinical testing. Allele origin: germline.